The following is an entry in ClinVar:

NM_001024630.4(RUNX2):c.151C>A (p.Gln51Lys)

Genes: RUNX2 (RUNX family transcription factor 2; plus strand), LOC109611589 (runt related transcription factor 2 polyalanine expansion region; plus strand). Cytogenetic location: 6p21.1.
Variant type: single nucleotide variant.
Coding change: c.151C>A on transcript NM_001024630.4 (MANE Select); coding-DNA position 151, C replaced by A.
Protein change: p.Gln51Lys; replaces glutamine 51 with lysine.
Molecular consequence: missense variant.
Genome position (GRCh38, 1-based): chr6:45,422,685, C>A. VCF-style: chr6-45422685-C-A. GRCh37 (hg19) VCF-style: chr6-45390422-C-A.
Other names: c.151C>A, p.Gln51Lys (NM_001015051.4); c.109C>A, p.Gln37Lys (NM_001278478.2, NM_001369405.1); short protein forms Q51K, Q37K.
Identifiers: ClinVar variation 500283 (VCV000500283.9), dbSNP rs368475300, ClinGen allele CA3836273.

ClinVar aggregate classification (germline): Conflicting classifications of pathogenicity. Review status: criteria provided, conflicting classifications (1 of 4 stars). 2 submissions from 2 submitters: Uncertain significance (1); Likely benign (1). Last evaluated 2024-10-29.

Allele frequency attached by ClinVar (database versions not stated): gnomAD exomes 0.00007 and 0.00021; ExAC 0.00009; ESP Exome Variant Server 0.00009; TOPMed 0.00014; gnomAD 0.00015 and 0.00016.
gnomAD v4.1: 339 of 1,603,152 alleles (0.021%); highest among the groups gnomAD compares: Non-Finnish European, 0.027%; no homozygotes.

Submissions (2):

Labcorp Genetics (formerly Invitae), Labcorp
Classification: Uncertain significance. Last evaluated: 2024-10-29. Review status: criteria provided, single submitter. Criteria: Invitae Variant Classification Sherloc (09022015). Collection method: clinical testing. Allele origin: germline.
Comment: This sequence change replaces glutamine, which is neutral and polar, with lysine, which is basic and polar, at codon 51 of the RUNX2 protein (p.Gln51Lys). The frequency data for this variant in the population databases is considered unreliable, as metrics indicate poor data quality at this position in the gnomAD database. This variant has not been reported in the literature in individuals affected with RUNX2-related conditions. ClinVar contains an entry for this variant (Variation ID: 500283). An algorithm developed to predict the effect of missense changes on protein structure and function (PolyPhen-2) suggests that this variant is likely to be tolerated. In summary, the available evidence is currently insufficient to determine the role of this variant in disease. Therefore, it has been classified as a Variant of Uncertain Significance.

Eurofins Ntd Llc (ga)
Classification: Likely benign. Last evaluated: 2017-05-11. Review status: criteria provided, single submitter. Criteria: EGL Classification Definitions 2015. Collection method: clinical testing. Allele origin: germline. Observed: 3 variant alleles, 3 heterozygotes.